The following is an entry in ClinVar:

NM_001972.4(ELANE):c.134T>G (p.Val45Gly)

Gene: ELANE (elastase, neutrophil expressed; plus strand). Cytogenetic location: 19p13.3.
Variant type: single nucleotide variant.
Coding change: c.134T>G on transcript NM_001972.4 (MANE Select); coding-DNA position 134, T replaced by G.
Protein change: p.Val45Gly; replaces valine 45 with glycine.
Molecular consequence: missense variant.
Genome position (GRCh38, 1-based): chr19:852,942, T>G. VCF-style: chr19-852942-T-G. GRCh37 (hg19) VCF-style: chr19-852942-T-G.
Other names: short protein forms V45G.
Identifiers: ClinVar variation 4788247 (VCV004788247.1).
Genomic context (GRCh38, chr19:852,942, plus strand): 5'-CGCTGGCCTCGGAGATTGTGGGGGGCCGGCGAGCGCGGCCCCACGCGTGGCCCTTCATGG[T>G]GTCCCTGCAGCTGCGCGGAGGCCACTTCTGCGGCGCCACCCTGATTGCGCCCAACTTCGT-3'
Protein context (NP_001963.1, residues 35-55): RARPHAWPFM[Val45Gly]SLQLRGGHFC

ClinVar aggregate classification (germline): Uncertain significance (1 of 4 stars; one submission).

Conditions:
Neutropenia, severe congenital, 1, autosomal dominant. Identifiers: MedGen C1859966, MONDO:0042490, OMIM 202700.
Cyclical neutropenia. Also called: Cyclic hematopoiesis; Cyclic Neutropenia. Identifiers: Orphanet 2686, MedGen C0221023, MONDO:0008090, OMIM 162800, HP:0040289. Disease mechanism: loss of function.

gnomAD v4.1: 5 of 1,597,168 alleles (0.00031%); highest among the groups gnomAD compares: East Asian, 0.011%; no homozygotes.

Submission:

Labcorp Genetics (formerly Invitae), Labcorp
Classification: Uncertain significance for Neutropenia, severe congenital, 1, autosomal dominant; Cyclical neutropenia. Last evaluated: 2025-12-30. Review status: criteria provided, single submitter. Criteria: Invitae Variant Classification Sherloc (09022015). Collection method: clinical testing. Allele origin: germline.
Comment: This sequence change replaces valine, which is neutral and non-polar, with glycine, which is neutral and non-polar, at codon 45 of the ELANE protein (p.Val45Gly). This variant is not present in population databases (gnomAD no frequency). This variant has not been reported in the literature in individuals affected with ELANE-related conditions. Invitae Evidence Modeling of protein sequence and biophysical properties (such as structural, functional, and spatial information, amino acid conservation, physicochemical variation, residue mobility, and thermodynamic stability) has been performed for this missense variant. However, the output from this modeling did not meet the statistical confidence thresholds required to predict the impact of this variant on ELANE protein function. In summary, the available evidence is currently insufficient to determine the role of this variant in disease. Therefore, it has been classified as a Variant of Uncertain Significance.